The following is an entry in ClinVar:

NM_015474.4(SAMHD1):c.195G>T (p.Leu65=)

Gene: SAMHD1 (SAM and HD domain containing deoxynucleoside triphosphate triphosphohydrolase 1; minus strand). Cytogenetic location: 20q11.23.
Variant type: single nucleotide variant.
Coding change: c.195G>T on transcript NM_015474.4 (MANE Select); coding-DNA position 195, G replaced by T.
Protein change: p.Leu65=; no amino-acid change (leucine 65 retained).
Molecular consequence: synonymous variant.
Genome position (GRCh38, 1-based): chr20:36,951,449, C>A on the plus strand (G>T on the coding strand, the complement: SAMHD1 is on the minus strand). VCF-style: chr20-36951449-C-A. GRCh37 (hg19) VCF-style: chr20-35579852-C-A.
Other names: c.195G>T, p.Leu65= (NM_001363729.2, NM_001363733.2).
Identifiers: ClinVar variation 338349 (VCV000338349.41), dbSNP rs202024857, ClinGen allele CA9844816.
Genomic context (GRCh38, chr20:36,951,449, plus strand): 5'-GCCCCAGGTCGCCGCCCTTCGCCCCTCAGCCCCTCCGGAGCCGCTACCTCGGATGTTCTT[C>A]AGCAGCACCGGCTCTTCAAAGCCACCGCGCCTGAGGAAGGAGCACACCTGCTCCGGACCC-3'
Protein context (NP_056289.2, residues 55-75): RRGGFEEPVL[Leu65=]KNIRENEITG

ClinVar aggregate classification (germline): Conflicting classifications of pathogenicity. Review status: criteria provided, conflicting classifications (1 of 4 stars). 5 submissions from 4 submitters: Uncertain significance (1); Benign (1); Likely benign (3). Last evaluated 2026-05-01.

Conditions:
Aicardi-Goutieres syndrome 5. Identifiers: Orphanet 51, MedGen C2749659, MONDO:0013059, OMIM 612952.
Chilblain lupus 2 (CHBL2). Identifiers: MedGen C3280721, MONDO:0013739, OMIM 614415.

Allele frequency attached by ClinVar (database versions not stated): gnomAD exomes 0.00009 and 0.00026; TOPMed 0.00009; gnomAD 0.00011 and 0.00013; ExAC 0.00013; 1000 Genomes Project 30x 0.00016; 1000 Genomes Project 0.00020; ESP Exome Variant Server 0.00031.
gnomAD v4.1: 397 of 1,614,040 alleles (0.025%); highest among the groups gnomAD compares: Non-Finnish European, 0.033%; no homozygotes.

Submissions (5):

CeGaT Center for Human Genetics Tuebingen
Classification: Likely benign. Last evaluated: 2026-05-01. Review status: criteria provided, single submitter. Criteria: CeGaT Center For Human Genetics Tuebingen Variant Classification Criteria Version 2. Collection method: clinical testing. Allele origin: germline. Affected: yes. Observed: 2 variant alleles.
Comment: SAMHD1: BP4, BP7

Labcorp Genetics (formerly Invitae), Labcorp
Classification: Likely benign for Aicardi-Goutieres syndrome 5. Last evaluated: 2026-01-14. Review status: criteria provided, single submitter. Criteria: Invitae Variant Classification Sherloc (09022015). Collection method: clinical testing. Allele origin: germline.

Blueprint Genetics
Classification: Likely benign. Last evaluated: 2023-01-03. Review status: criteria provided, single submitter. Criteria: ACMG Guidelines, 2015. Collection method: clinical testing. Allele origin: germline.

Illumina Laboratory Services, Illumina
Classification: Uncertain significance for Aicardi-Goutieres syndrome 5. Last evaluated: 2018-01-12. Review status: criteria provided, single submitter. Criteria: ICSL Variant Classification Criteria 13 December 2019. Collection method: clinical testing. Allele origin: germline.

Illumina Laboratory Services, Illumina
Classification: Benign for Chilblain lupus 2. Last evaluated: 2018-01-12. Review status: criteria provided, single submitter. Criteria: ICSL Variant Classification Criteria 13 December 2019. Collection method: clinical testing. Allele origin: germline.
Comment: This variant was observed in the ICSL laboratory as part of a predisposition screen in an ostensibly healthy population. It had not been previously curated by ICSL or reported in the Human Gene Mutation Database (HGMD: prior to June 1st, 2018), and was therefore a candidate for classification through an automated scoring system. Utilizing variant allele frequency, disease prevalence and penetrance estimates, and inheritance mode, an automated score was calculated to assess if this variant is too frequent to cause the disease. Based on the score and internal cut-off values, a variant classified as benign is not then subjected to further curation. The score for this variant resulted in a classification of benign for this disease.